The following is an entry in ClinVar:

NM_001164508.2(NEB):c.3190T>A (p.Tyr1064Asn)

Gene: NEB (nebulin; minus strand). Cytogenetic location: 2q23.3.
Variant type: single nucleotide variant.
Coding change: c.3190T>A on transcript NM_001164508.2 (MANE Select); coding-DNA position 3190, T replaced by A.
Protein change: p.Tyr1064Asn; replaces tyrosine 1064 with asparagine.
Molecular consequence: missense variant.
Genome position (GRCh38, 1-based): chr2:151,679,786, A>T on the plus strand (T>A on the coding strand, the complement: NEB is on the minus strand). VCF-style: chr2-151679786-A-T. GRCh37 (hg19) VCF-style: chr2-152536300-A-T.
Other names: c.3190T>A, p.Tyr1064Asn (NM_001164507.2, NM_001271208.2, NM_004543.5); short protein forms Y1064N.
Identifiers: ClinVar variation 1365713 (VCV001365713.8), dbSNP rs2148596836, ClinGen allele CA348820222.

ClinVar aggregate classification (germline): Uncertain significance (1 of 4 stars; one submission).

Conditions:
Nemaline myopathy 2 (NEM2). Also called: Nemaline myopathy 2, autosomal recessive. Identifiers: MedGen C1850569, MONDO:0009725, OMIM 256030.

Submission:

Labcorp Genetics (formerly Invitae), Labcorp
Classification: Uncertain significance for Nemaline myopathy 2. Last evaluated: 2021-07-07. Review status: criteria provided, single submitter. Criteria: Invitae Variant Classification Sherloc (09022015). Collection method: clinical testing. Allele origin: germline.
Comment: This sequence change replaces tyrosine with asparagine at codon 1064 of the NEB protein (p.Tyr1064Asn). The tyrosine residue is moderately conserved and there is a large physicochemical difference between tyrosine and asparagine. In summary, the available evidence is currently insufficient to determine the role of this variant in disease. Therefore, it has been classified as a Variant of Uncertain Significance. Algorithms developed to predict the effect of missense changes on protein structure and function are either unavailable or do not agree on the potential impact of this missense change (SIFT: "Deleterious"; PolyPhen-2: "Not Available"; Align-GVGD: "Class C0"). This variant has not been reported in the literature in individuals affected with NEB-related conditions. This variant is not present in population databases (ExAC no frequency).